The following is an entry in ClinVar:

NM_006363.6(SEC23B):c.1989dup (p.Glu664Ter)

Gene: SEC23B (SEC23 homolog B, COPII component; plus strand). Cytogenetic location: 20p11.23.
Variant type: Duplication.
Coding change: c.1989dup on transcript NM_006363.6 (MANE Select); coding-DNA position 1989, one base duplicated (T; older notation c.1989dupT).
Protein change: p.Glu664Ter; replaces glutamic acid 664 with a stop codon.
Molecular consequence: nonsense.
Genome position (GRCh38, 1-based): chr20:18,551,172, T duplicated. VCF-style (leftmost placement, unchanged base first): chr20-18551171-G-GT. GRCh37 (hg19) VCF-style: chr20-18531815-G-GT.
Other names: c.1989dup, p.Glu664Ter (NM_001172745.3, NM_032985.6, NM_032986.5); c.1935dup, p.Glu646Ter (NM_001172746.3); short protein forms E664*, E646*.
Identifiers: ClinVar variation 2925651 (VCV002925651.3), dbSNP rs762302707, ClinGen allele CA9778550.

ClinVar aggregate classification (germline): Pathogenic (1 of 4 stars; one submission).

Conditions:
Congenital dyserythropoietic anemia, type II (CDAN2). Also called: DYSERYTHROPOIETIC ANEMIA, HEMPAS TYPE. Identifiers: Orphanet 98873, MedGen C1306589, MONDO:0009134, OMIM 224100.
Cowden syndrome 7 (CWS7). Identifiers: Orphanet 201, MedGen C4225179, MONDO:0014802, OMIM 616858.

Allele frequency attached by ClinVar (database versions not stated): TOPMed below 0.00001; gnomAD 0.00001; gnomAD exomes 0.00001; ExAC 0.00002.

Submission:

Labcorp Genetics (formerly Invitae), Labcorp
Classification: Pathogenic for Congenital dyserythropoietic anemia, type II; Cowden syndrome 7. Last evaluated: 2025-03-31. Review status: criteria provided, single submitter. Criteria: Invitae Variant Classification Sherloc (09022015). Collection method: clinical testing. Allele origin: germline.
Comment: This sequence change creates a premature translational stop signal (p.Glu664*) in the SEC23B gene. It is expected to result in an absent or disrupted protein product. Loss-of-function variants in SEC23B are known to be pathogenic (PMID: 19561605, 25044164). This variant is present in population databases (rs762302707, gnomAD 0.003%). This premature translational stop signal has been observed in individual(s) with congenital dyserythropoietic anemia type II (PMID: 27471141). ClinVar contains an entry for this variant (Variation ID: 2925651). For these reasons, this variant has been classified as Pathogenic.

Literature cited by the submitters: PubMed 19561605; PubMed 25044164; PubMed 27471141.